The following is an entry in ClinVar:

NM_206926.2(SELENON):c.184-2A>G

Gene: SELENON (selenoprotein N; plus strand). Cytogenetic location: 1p36.11.
Variant type: single nucleotide variant.
Coding change: c.184-2A>G on transcript NM_206926.2 (MANE Select); the canonical splice acceptor site of the intron before coding-DNA position 184, A replaced by G.
Molecular consequence: splice acceptor variant.
Genome position (GRCh38, 1-based): chr1:25,801,041, A>G. VCF-style: chr1-25801041-A-G. GRCh37 (hg19) VCF-style: chr1-26127532-A-G.
Other names: c.184-2A>G (NM_020451.3).
Identifiers: ClinVar variation 1163731 (VCV001163731.5), dbSNP rs2124437555, ClinGen allele CA339107090.

ClinVar aggregate classification (germline): Likely pathogenic (1 of 4 stars; one submission).

Submission:

Mayo Clinic Laboratories, Mayo Clinic
Classification: Likely pathogenic. Last evaluated: 2019-08-11. Review status: criteria provided, single submitter. Criteria: ACMG Guidelines, 2015. Collection method: clinical testing. Allele origin: germline. Observed: 1 variant allele.
Comment: PVS1, PM2